The following is an entry in ClinVar:

NM_144997.7(FLCN):c.618+5del

Gene: FLCN (folliculin; minus strand). Cytogenetic location: 17p11.2.
Variant type: Deletion.
Coding change: c.618+5del on transcript NM_144997.7 (MANE Select); 5 bases into the intron after coding-DNA position 618, one base deleted (A; older notation c.618+5delA).
Molecular consequence: intron variant.
Genome position (GRCh38, 1-based): chr17:17,223,917, T deleted on the plus strand (A on the coding strand, the reverse complement: FLCN is on the minus strand); the first of 2 consecutive T bases (chr17:17,223,917-17,223,918); deleting either gives the same sequence. VCF-style (leftmost placement, unchanged base first): chr17-17223916-AT-A. GRCh37 (hg19) VCF-style: chr17-17127230-AT-A.
Other names: c.618+5del (NM_001353231.2, NM_001353230.2, NM_144606.7); c.672+5del (NM_001353229.2); c.618+5delA (NM_144997.5).
Identifiers: ClinVar variation 2156069 (VCV002156069.5), dbSNP rs2544250536, ClinGen allele CA2580092635.

ClinVar aggregate classification (germline): Uncertain significance. Review status: criteria provided, multiple submitters, no conflicts (2 of 4 stars). 2 submissions from 2 submitters: Uncertain significance (2). Last evaluated 2025-08-30.

Conditions:
Birt-Hogg-Dube syndrome. Also called: Birt Hogg Dubé syndrome. Identifiers: Orphanet 122, MedGen C0346010, MONDO:0800444.
Hereditary cancer-predisposing syndrome. Also called: Neoplastic Syndromes, Hereditary; Hereditary Cancer Syndrome; Hereditary neoplastic syndrome; Tumor predisposition. Identifiers: Orphanet 140162, MedGen C0027672, MeSH D009386, MONDO:0015356.

Submissions (2):

Labcorp Genetics (formerly Invitae), Labcorp
Classification: Uncertain significance for Birt-Hogg-Dube syndrome. Last evaluated: 2025-08-30. Review status: criteria provided, single submitter. Criteria: Invitae Variant Classification Sherloc (09022015). Collection method: clinical testing. Allele origin: germline.
Comment: This sequence change falls in intron 6 of the FLCN gene. It does not directly change the encoded amino acid sequence of the FLCN protein. It affects a nucleotide within the consensus splice site. This variant is not present in population databases (gnomAD no frequency). This variant has not been reported in the literature in individuals affected with FLCN-related conditions. ClinVar contains an entry for this variant (Variation ID: 2156069). Variants that disrupt the consensus splice site are a relatively common cause of aberrant splicing (PMID: 17576681, 9536098). Algorithms developed to predict the effect of sequence changes on RNA splicing suggest that this variant is not likely to affect RNA splicing. In summary, the available evidence is currently insufficient to determine the role of this variant in disease. Therefore, it has been classified as a Variant of Uncertain Significance.

Ambry Genetics
Classification: Uncertain significance for Hereditary cancer-predisposing syndrome. Last evaluated: 2024-04-03. Review status: criteria provided, single submitter. Criteria: Ambry Variant Classification Scheme 2023. Collection method: clinical testing. Allele origin: germline.
Comment: The c.618+5delA intronic variant, located in intron 3 of the FLCN gene, results from a deletion of one nucleotide within intron 3 of the FLCN gene. This nucleotide position is poorly conserved in available vertebrate species. In silico splice site analysis predicts that this alteration will not have any significant effect on splicing. Based on the available evidence, the clinical significance of this variant remains unclear.

Literature cited by the submitters: PubMed 17576681 (cited by Labcorp Genetics (formerly Invitae), Labcorp); PubMed 9536098 (cited by Labcorp Genetics (formerly Invitae), Labcorp).